The following is an entry in ClinVar:

NM_003612.5(SEMA7A):c.290T>A (p.Leu97His)

Gene: SEMA7A (semaphorin 7A (JohnMiltonHagen blood group); minus strand). Cytogenetic location: 15q24.1.
Variant type: single nucleotide variant.
Coding change: c.290T>A on transcript NM_003612.5 (MANE Select); coding-DNA position 290, T replaced by A.
Protein change: p.Leu97His; replaces leucine 97 with histidine.
Molecular consequence: missense variant. On other transcripts: 5 prime UTR variant (1).
Genome position (GRCh38, 1-based): chr15:74,418,841, A>T on the plus strand (T>A on the coding strand, the complement: SEMA7A is on the minus strand). VCF-style: chr15-74418841-A-T. GRCh37 (hg19) VCF-style: chr15-74711182-A-T.
Other names: c.290T>A, p.Leu97His (NM_001146029.3); c.-206T>A (NM_001146030.3); short protein forms L97H.
Identifiers: ClinVar variation 4987238 (VCV004987238.1).
Genomic context (GRCh38, chr15:74,418,841, plus strand): 5'-GGGGGAAGAGAGAGGCTCACCGTGCGCACAGATGCGTTCTTGCCCTCGGGGAAGTCAAAG[A>T]GGTAGACCTTGCCACGTCCTCCCACCCACACAGAGGAGCTGCCTGGCTCGTGGAAAAGCA-3'
Protein context (NP_003603.1, residues 87-107): VWVGGRGKVY[Leu97His]FDFPEGKNAS

ClinVar aggregate classification (germline): Likely benign (1 of 4 stars; one submission).

Conditions:
SEMA7A-related disorder. Also called: SEMA7A-related condition.

gnomAD v4.1: 3,300 of 1,613,900 alleles (0.2%); highest among the groups gnomAD compares: Non-Finnish European, 0.25%; 2 homozygotes.

Submission:

PreventionGenetics, part of Exact Sciences
Classification: Likely benign for SEMA7A-related condition. Last evaluated: 2025-12-18. Review status: criteria provided, single submitter. Criteria: ACMG Guidelines, 2015. Collection method: clinical testing. Allele origin: germline.
Comment: This variant is classified as likely benign based on ACMG/AMP sequence variant interpretation guidelines (Richards et al. 2015 PMID: 25741868, with internal and published modifications).